The following is an entry in ClinVar:

NM_004595.5(SMS):c.891G>T (p.Leu297=)

Gene: SMS (spermine synthase; plus strand). Cytogenetic location: Xp22.11.
Variant type: single nucleotide variant.
Coding change: c.891G>T on transcript NM_004595.5 (MANE Select); coding-DNA position 891, G replaced by T.
Protein change: p.Leu297=; no amino-acid change (leucine 297 retained).
Molecular consequence: synonymous variant.
Genome position (GRCh38, 1-based): chrX:21,985,169, G>T. VCF-style: chrX-21985169-G-T. GRCh37 (hg19) VCF-style: chrX-22003287-G-T.
Other names: c.732G>T, p.Leu244= (NM_001258423.2).
Identifiers: ClinVar variation 4990900 (VCV004990900.1).

ClinVar aggregate classification (germline): Likely benign (1 of 4 stars; one submission).

Conditions:
SMS-related disorder. Also called: SMS-related condition.

Submission:

PreventionGenetics, part of Exact Sciences
Classification: Likely benign for SMS-related condition. Last evaluated: 2025-12-16. Review status: criteria provided, single submitter. Criteria: ACMG Guidelines, 2015. Collection method: clinical testing. Allele origin: germline.
Comment: This variant is classified as likely benign based on ACMG/AMP sequence variant interpretation guidelines (Richards et al. 2015 PMID: 25741868, with internal and published modifications).